The following is an entry in ClinVar:

ClinVar aggregate classification (germline): Uncertain significance. Review status: criteria provided, multiple submitters, no conflicts (2 of 4 stars). 2 submissions from 2 submitters: Uncertain significance (2). Last evaluated 2024-04-09.

Conditions:
Joubert syndrome 17 (JBTS17). Identifiers: Orphanet 475, MedGen C3553264, MONDO:0013824, OMIM 614615.
Orofaciodigital syndrome type 6 (OFD6). Also called: OROFACIODIGITAL SYNDROME VI; OFDS VI; POLYDACTYLY, CLEFT LIP/PALATE OR LINGUAL LUMP, AND PSYCHOMOTOR RETARDATION; VARADI SYNDROME; VARADI-PAPP SYNDROME; Oral-facial-digital syndrome type 6. Identifiers: Orphanet 2754, MedGen C2745997, MONDO:0010176, OMIM 277170.

Allele frequency attached by ClinVar (database versions not stated): gnomAD exomes below 0.00001 and 0.00002; gnomAD 0.00002 and 0.00004; ExAC 0.00005; TOPMed 0.00009.
gnomAD v4.1: 9 of 1,551,122 alleles (0.00058%); highest among the groups gnomAD compares: African/African-American, 0.011%; no homozygotes.

Submissions (2):

Fulgent Genetics
Classification: Uncertain significance for Orofaciodigital syndrome type 6; Joubert syndrome 17. Last evaluated: 2024-04-09. Review status: criteria provided, single submitter. Criteria: ACMG Guidelines, 2015. Collection method: clinical testing. Allele origin: germline.

Labcorp Genetics (formerly Invitae), Labcorp
Classification: Uncertain significance. Last evaluated: 2021-08-24. Review status: criteria provided, single submitter. Criteria: Invitae Variant Classification Sherloc (09022015). Collection method: clinical testing. Allele origin: germline.
Comment: This sequence change replaces histidine with tyrosine at codon 647 of the CPLANE1 protein (p.His647Tyr). The histidine residue is weakly conserved and there is a moderate physicochemical difference between histidine and tyrosine. This variant is present in population databases (rs775827684, ExAC 0.05%). This variant has not been reported in the literature in individuals affected with CPLANE1-related conditions. Advanced modeling of protein sequence and biophysical properties (such as structural, functional, and spatial information, amino acid conservation, physicochemical variation, residue mobility, and thermodynamic stability) performed at Invitae indicates that this missense variant is not expected to disrupt CPLANE1 protein function. In summary, the available evidence is currently insufficient to determine the role of this variant in disease. Therefore, it has been classified as a Variant of Uncertain Significance.

NM_001384732.1(CPLANE1):c.1939C>T (p.His647Tyr)

Gene: CPLANE1 (ciliogenesis and planar polarity effector complex subunit 1; minus strand). Cytogenetic location: 5p13.2.
Variant type: single nucleotide variant.
Coding change: c.1939C>T on transcript NM_001384732.1 (MANE Select); coding-DNA position 1939, C replaced by T.
Protein change: p.His647Tyr; replaces histidine 647 with tyrosine.
Molecular consequence: missense variant.
Genome position (GRCh38, 1-based): chr5:37,226,656, G>A on the plus strand (C>T on the coding strand, the complement: CPLANE1 is on the minus strand). VCF-style: chr5-37226656-G-A. GRCh37 (hg19) VCF-style: chr5-37226758-G-A.
Other names: c.1939C>T (NM_023073.3); c.1939C>T, p.His647Tyr (NM_023073.4); short protein forms H647Y.
Identifiers: ClinVar variation 1382887 (VCV001382887.6), dbSNP rs775827684, ClinGen allele CA3239065.